The following is an entry in ClinVar:

ClinVar aggregate classification (germline): Conflicting classifications of pathogenicity. Review status: criteria provided, conflicting classifications (1 of 4 stars). 6 submissions from 6 submitters: Likely pathogenic (1); Uncertain significance (5). Last evaluated 2022-08-29.

Conditions:
CLN3-related disorders.
Neuronal ceroid lipofuscinosis. Also called: Neuronal Ceroid Lipofuscinoses. Identifiers: Orphanet 216, Orphanet 79263, MedGen C0027877, MONDO:0016295. Disease mechanism: loss of function.
Neuronal ceroid lipofuscinosis 3 (CLN3). Identifiers: Orphanet 228346, MedGen C0751383, MONDO:0008767, OMIM 204200.

Allele frequency attached by ClinVar (database versions not stated): gnomAD 0.00001; ExAC 0.00002; gnomAD exomes 0.00002; TOPMed 0.00002.
gnomAD v4.1: 7 of 1,614,046 alleles (0.00043%); highest among the groups gnomAD compares: Admixed American, 0.01%; no homozygotes.

Submissions (6):

Blueprint Genetics
Classification: Likely pathogenic for CLN3-related disorders. Last evaluated: 2022-08-29. Review status: criteria provided, single submitter. Criteria: ACMG Guidelines, 2015. Collection method: clinical testing. Allele origin: germline. Affected: yes. Observed: 1 variant allele.

Labcorp Genetics (formerly Invitae), Labcorp
Classification: Uncertain significance for Neuronal ceroid lipofuscinosis. Last evaluated: 2022-07-21. Review status: criteria provided, single submitter. Criteria: Invitae Variant Classification Sherloc (09022015). Collection method: clinical testing. Allele origin: germline.
Comment: This sequence change replaces arginine, which is basic and polar, with glutamine, which is neutral and polar, at codon 89 of the CLN3 protein (p.Arg89Gln). This variant is present in population databases (rs766287694, gnomAD 0.009%). This missense change has been observed in individual(s) with clinical features of CLN3-related conditions (PMID: 31736247). ClinVar contains an entry for this variant (Variation ID: 205106). Algorithms developed to predict the effect of missense changes on protein structure and function are either unavailable or do not agree on the potential impact of this missense change (SIFT: "Tolerated"; PolyPhen-2: "Possibly Damaging"; Align-GVGD: "Class C0"). In summary, the available evidence is currently insufficient to determine the role of this variant in disease. Therefore, it has been classified as a Variant of Uncertain Significance.

Mayo Clinic Laboratories, Mayo Clinic
Classification: Uncertain significance. Last evaluated: 2021-11-26. Review status: criteria provided, single submitter. Criteria: ACMG Guidelines, 2015. Collection method: clinical testing. Allele origin: germline.

Myriad Genetics, Inc.
Classification: Uncertain significance for Neuronal ceroid lipofuscinosis 3. Last evaluated: 2021-11-08. Review status: criteria provided, single submitter. Criteria: Myriad Women's Health Autosomal Recessive and X-Linked Classification Criteria (2021). Collection method: clinical testing. Allele origin: unknown.
Comment: NM_001042432.1(CLN3):c.266G>A(R89Q) is a missense variant classified as a variant of uncertain significance in the context of CLN3-related neuronal ceroid lipofuscinosis. R89Q has not been observed in cases with relevant disease. Functional assessments of this variant are not available in the literature. R89Q has been observed in population frequency databases (gnomAD: AMR 0.01%). In summary, there is insufficient evidence to classify NM_001042432.1(CLN3):c.266G>A(R89Q) as pathogenic or benign. Please note: this variant was assessed in the context of healthy population screening.

Genome-Nilou Lab
Classification: Uncertain significance for Neuronal ceroid lipofuscinosis 3. Last evaluated: 2021-09-05. Review status: criteria provided, single submitter. Criteria: ACMG Guidelines, 2015. Collection method: clinical testing. Allele origin: germline. Affected: no.

GeneDx
Classification: Uncertain significance. Last evaluated: 2018-08-14. Review status: criteria provided, single submitter. Criteria: GeneDx Variant Classification (06012015). Collection method: clinical testing. Allele origin: germline. Affected: yes.
Comment: A variant of uncertain significance has been identified in the CLN3 gene. The R89Q variant has not been published as a pathogenic variant, nor has it been reported as a benign variant to our knowledge. The R89Q variant is not observedat a significant frequency in large population cohorts (Lek et al., 2016). The R89Q variant is a semi-conservative amino acid substitution, which may impact secondary protein structure as these residues differ in some properties. This substitution occurs at a position that is conserved across species, and in silico analysis predicts this variant isprobably damaging to the protein structure/function. Based on the currently available information, it is unclear whether this variant is a pathogenic variant or a rare benign variant.

Literature cited by the submitters: PubMed 31736247 (cited by Labcorp Genetics (formerly Invitae), Labcorp).

NM_001042432.2(CLN3):c.266G>A (p.Arg89Gln)

Gene: CLN3 (CLN3 lysosomal/endosomal transmembrane protein, battenin; minus strand). Cytogenetic location: 16p12.1.
Variant type: single nucleotide variant.
Coding change: c.266G>A on transcript NM_001042432.2 (MANE Select); coding-DNA position 266, G replaced by A.
Protein change: p.Arg89Gln; replaces arginine 89 with glutamine.
Molecular consequence: missense variant. On other transcripts: intron variant (2).
Genome position (GRCh38, 1-based): chr16:28,488,619, C>T on the plus strand (G>A on the coding strand, the complement: CLN3 is on the minus strand). VCF-style: chr16-28488619-C-T. GRCh37 (hg19) VCF-style: chr16-28499940-C-T.
Other names: p.R89Q:CGA>CAA; p.Arg89Gln; c.266G>A, p.Arg89Gln (NM_000086.2); c.46G>A, p.Asp16Asn (NM_001286105.2); c.104G>A, p.Arg35Gln (NM_001286110.2); c.60+671G>A (NM_001286109.2); c.222+671G>A (NM_001286104.2); short protein forms R89Q, R35Q, D16N.
Identifiers: ClinVar variation 205106 (VCV000205106.19), dbSNP rs766287694, ClinGen allele CA313778.
Genomic context (GRCh38, chr16:28,488,619, plus strand): 5'-TCAGGCAAGGACCAGGTGAGATGAGTACGCACAGCCGTAGAGACAGAGTTGCAGTCAAAT[C>T]GTGATGAGCTGTTGTGGGGGATCGGCGTTGGGCCTGGGTCCACCTAATGGGAGAAAAGCA-3'
Protein context (NP_001035897.1, residues 79-99): PTPIPHNSSS[Arg89Gln]FDCNSVSTAA